The following is an entry in ClinVar:

NM_000465.4(BARD1):c.713del (p.Lys238fs)

Gene: BARD1 (BRCA1 associated RING domain 1; minus strand). Cytogenetic location: 2q35.
Variant type: Deletion.
Coding change: c.713del on transcript NM_000465.4 (MANE Select); coding-DNA position 713, one base deleted (A; older notation c.713delA).
Protein change: p.Lys238fs; shifts the reading frame from lysine 238.
Molecular consequence: frameshift variant. On other transcripts: non-coding transcript variant (2), intron variant (3).
Genome position (GRCh38, 1-based): chr2:214,781,161, T deleted on the plus strand (A on the coding strand, the reverse complement: BARD1 is on the minus strand); the first of 4 consecutive T bases (chr2:214,781,161-214,781,164); deleting any one gives the same sequence. VCF-style (leftmost placement, unchanged base first): chr2-214781160-CT-C. GRCh37 (hg19) VCF-style: chr2-215645884-CT-C.
Other names: c.656del, p.Lys219fs (NM_001282543.2); c.158+28251del (NM_001282548.2); c.215+15900del (NM_001282545.2); c.364+11136del (NM_001282549.2); short protein forms K219fs, K238fs.
Identifiers: ClinVar variation 1757345 (VCV001757345.2), dbSNP rs2469509572, ClinGen allele CA2580065683.

ClinVar aggregate classification (germline): Pathogenic (1 of 4 stars; one submission).

Conditions:
Hereditary cancer-predisposing syndrome. Also called: Neoplastic Syndromes, Hereditary; Tumor predisposition; Hereditary Cancer Syndrome; Hereditary neoplastic syndrome. Identifiers: Orphanet 140162, MedGen C0027672, MeSH D009386, MONDO:0015356.

Submission:

Ambry Genetics
Classification: Pathogenic for Hereditary cancer-predisposing syndrome. Last evaluated: 2022-08-01. Review status: criteria provided, single submitter. Criteria: Ambry Variant Classification Scheme 2023. Collection method: clinical testing. Allele origin: germline.
Comment: The c.713delA pathogenic mutation, located in coding exon 4 of the BARD1 gene, results from a deletion of one nucleotide at nucleotide position 713, causing a translational frameshift with a predicted alternate stop codon (p.K238Sfs*17). This variant is considered to be rare based on population cohorts in the Genome Aggregation Database (gnomAD). This alteration is expected to result in loss of function by premature protein truncation or nonsense-mediated mRNA decay. As such, this alteration is interpreted as a disease-causing mutation.